The following is an entry in ClinVar:

ClinVar aggregate classification (germline): Benign/Likely benign. Review status: criteria provided, multiple submitters, no conflicts (2 of 4 stars). 3 submissions from 3 submitters: Benign (1); Likely benign (2). Last evaluated 2025-11-05.

Conditions:
Familial adenomatous polyposis 1 (FAP1). Also called: FAMILIAL ADENOMATOUS POLYPOSIS 1, ATTENUATED; POLYPOSIS, ADENOMATOUS INTESTINAL. Identifiers: MedGen C2713442, MONDO:0021056, OMIM 175100. Disease mechanism: loss of function.
Hereditary cancer-predisposing syndrome. Also called: Neoplastic Syndromes, Hereditary; Tumor predisposition; Hereditary Cancer Syndrome; Hereditary neoplastic syndrome. Identifiers: Orphanet 140162, MedGen C0027672, MeSH D009386, MONDO:0015356.

Allele frequency attached by ClinVar (database versions not stated): ExAC 0.00001; gnomAD 0.00001; gnomAD exomes 0.00001; 1000 Genomes Project 0.00020; 1000 Genomes Project 30x 0.00031.
gnomAD v4.1: 18 of 1,612,638 alleles (0.0011%); highest among the groups gnomAD compares: African/African-American, 0.0027%; no homozygotes.

Submissions (3):

Labcorp Genetics (formerly Invitae), Labcorp
Classification: Likely benign for Familial adenomatous polyposis 1. Last evaluated: 2025-11-05. Review status: criteria provided, single submitter. Criteria: Invitae Variant Classification Sherloc (09022015). Collection method: clinical testing. Allele origin: germline.

Myriad Genetics, Inc.
Classification: Benign for Familial adenomatous polyposis 1. Last evaluated: 2024-04-02. Review status: criteria provided, single submitter. Criteria: Myriad Autosomal Dominant, Autosomal Recessive and X-Linked Classification Criteria (2023). Collection method: clinical testing. Allele origin: unknown.
Comment: This variant is considered benign. This variant is a silent/synonymous amino acid change and it is not expected to impact splicing.

Ambry Genetics
Classification: Likely benign for Hereditary cancer-predisposing syndrome. Last evaluated: 2015-09-05. Review status: criteria provided, single submitter. Criteria: Ambry Variant Classification Scheme 2023. Collection method: clinical testing. Allele origin: germline.

NM_000038.6(APC):c.5472T>C (p.Asn1824=)

Gene: APC (APC regulator of Wnt signaling pathway; plus strand). Cytogenetic location: 5q22.2.
Variant type: single nucleotide variant.
Coding change: c.5472T>C on transcript NM_000038.6 (MANE Select); coding-DNA position 5472, T replaced by C.
Protein change: p.Asn1824=; no amino-acid change (asparagine 1824 retained).
Molecular consequence: synonymous variant.
Genome position (GRCh38, 1-based): chr5:112,841,066, T>C. VCF-style: chr5-112841066-T-C. GRCh37 (hg19) VCF-style: chr5-112176763-T-C.
Other names: c.5472T>C, p.Asn1824= (NM_001127510.3, NM_001354895.2); c.5418T>C, p.Asn1806= (NM_001127511.3); c.5526T>C, p.Asn1842= (NM_001354896.2); c.5502T>C, p.Asn1834= (NM_001354897.2); c.5397T>C, p.Asn1799= (NM_001354898.2); c.5388T>C, p.Asn1796= (NM_001354899.2); c.5349T>C, p.Asn1783= (NM_001354900.2); c.5295T>C, p.Asn1765= (NM_001354901.2); and 5 more.
Identifiers: ClinVar variation 233746 (VCV000233746.16), dbSNP rs200742564, ClinGen allele CA042045.